The following is an entry in ClinVar:

NM_001204.7(BMPR2):c.353G>A (p.Cys118Tyr)

Gene: BMPR2 (bone morphogenetic protein receptor type 2; plus strand). Cytogenetic location: 2q33.1.
Variant type: single nucleotide variant.
Coding change: c.353G>A on transcript NM_001204.7 (MANE Select); coding-DNA position 353, G replaced by A.
Protein change: p.Cys118Tyr; replaces cysteine 118 with tyrosine.
Molecular consequence: missense variant.
Genome position (GRCh38, 1-based): chr2:202,467,624, G>A. VCF-style: chr2-202467624-G-A. GRCh37 (hg19) VCF-style: chr2-203332347-G-A.
Other names: c.353G>A (LRG_712t1); short protein forms C118Y.
Identifiers: ClinVar variation 425768 (VCV000425768.13), dbSNP rs1085307216, ClinGen allele CA350399738.

ClinVar aggregate classification (germline): Likely pathogenic. Review status: criteria provided, single submitter (1 of 4 stars). 3 submissions from 3 submitters: Likely pathogenic (1). 2 of the submissions do not count toward it. Last evaluated 2019-09-04.

Conditions:
Idiopathic and/or familial pulmonary arterial hypertension. Identifiers: Orphanet 422, MedGen C5679820, MONDO:0008347.
Pulmonary arterial hypertension. Identifiers: Orphanet 182090, MedGen C2973725, MeSH D000081029, MONDO:0015924, HP:0002092.
Pulmonary hypertension, primary, 1 (PPH1). Also called: Pulmonary hypertension, familial primary, 1, with or without HHT. Identifiers: Orphanet 422, MedGen C4552070, MONDO:0024533, OMIM 178600.

Submissions (3):

ARUP Laboratories, Molecular Genetics and Genomics, ARUP Laboratories
Classification: Likely pathogenic. Last evaluated: 2019-09-04. Review status: criteria provided, single submitter. Criteria: ARUP Molecular Germline Variant Investigation Process. Collection method: clinical testing. Allele origin: germline.
Comment: The BMPR2 c.353G>A; p.Cys118Tyr variant (rs1085307216) is reported in the literature in several individuals affected with pulmonary arterial hypertension (PAH) (Machado 2006, Pfarr 2011). This variant is absent from general population databases (Exome Variant Server, Genome Aggregation Database), indicating it is not a common polymorphism. The cysteine at codon 118 is moderately conserved, and computational analyses (SIFT, PolyPhen-2) predict that this variant is deleterious. Other amino acid substitutions at this codon and the adjacent cysteine (p.Cys117Tyr, p.Cys118Trp, p.Cys118Ser) have been reported in individuals with PAH and are considered disease-causing (Barozzi 2019, Machado 2006). Further, functional assays indicate that several of these other substitutions (p.Cys117Tyr and p.Cys118Trp) are mislocalized in the cell and exhibit signaling defects (Rudarakanchana 2002, Sobolewski 2008). Based on available information, the p.Cys118Tyr variant is considered to be likely pathogenic. References: Barozzi C et al. A Combined Targeted and Whole Exome Sequencing Approach Identified Novel Candidate Genes Involved in Heritable Pulmonary Arterial Hypertension. Sci Rep. 2019 Jan 24;9(1):753. Machado RD et al. Mutations of the TGF-beta type II receptor BMPR2 in pulmonary arterial hypertension. Hum Mutat. 2006 Feb;27(2):121-32. Pfarr N et al. Hemodynamic and clinical onset in patients with hereditary pulmonary arterial hypertension and BMPR2 mutations. Respir Res. 2011 Jul 29;12:99. Rudarakanchana N et al. Functional analysis of bone morphogenetic protein type II receptor mutations underlying primary pulmonary hypertension. Hum Mol Genet. 2002 Jun 15;11(13):1517-25. Sobolewski A et al. Failure of bone morphogenetic protein receptor trafficking in pulmonary arterial hypertension: potential for rescue. Hum Mol Genet. 2008 Oct 15;17(20):3180-90.

Rare Disease Genomics Group, St George's University of London
Classification: Pathogenic for Primary pulmonary hypertension. Review status: no assertion criteria provided. Collection method: literature only. Allele origin: germline. Affected: yes. Not counted in ClinVar's aggregate classification.

Wendy Chung Laboratory, Boston Children's Hospital
No classification provided. Condition: Idiopathic and/or familial pulmonary arterial hypertension. Review status: no classification provided. Collection method: literature only. Allele origin: germline. Affected: yes. Not counted in ClinVar's aggregate classification.

Literature cited by the submitters: PubMed 16429395 (cited by Rare Disease Genomics Group, St George's University of London); PubMed 21801371 (cited by Rare Disease Genomics Group, St George's University of London); PubMed 31727138 (cited by Wendy Chung Laboratory, Boston Children's Hospital).